The following is an entry in ClinVar:

NM_015099.4(CAMTA2):c.1029C>T (p.His343=)

Gene: CAMTA2 (calmodulin binding transcription activator 2; minus strand). Cytogenetic location: 17p13.2.
Variant type: single nucleotide variant.
Coding change: c.1029C>T on transcript NM_015099.4 (MANE Select); coding-DNA position 1029, C replaced by T.
Protein change: p.His343=; no amino-acid change (histidine 343 retained).
Molecular consequence: synonymous variant.
Genome position (GRCh38, 1-based): chr17:4,980,293, G>A on the plus strand (C>T on the coding strand, the complement: CAMTA2 is on the minus strand). VCF-style: chr17-4980293-G-A. GRCh37 (hg19) VCF-style: chr17-4883588-G-A.
Other names: c.1035C>T, p.His345= (NM_001171166.2); c.1098C>T, p.His366= (NM_001171167.2); c.1026C>T, p.His342= (NM_001171168.2).
Identifiers: ClinVar variation 773587 (VCV000773587.28), dbSNP rs117276029, ClinGen allele CA8317766.
Genomic context (GRCh38, chr17:4,980,293, plus strand): 5'-CTCAGTGCCTACAACCACTGCCAAACTCATGGAAGGCCTAGGATCAGCCTGTGGAGCCAA[G>A]TGCCTGGTGGGCGTCAAGCCTCCAGCCCGCTGCTCCAGTCCTGTCAGGAGGAGGATAGCA-3'
Protein context (NP_055914.2, residues 333-353): QRAGGLTPTR[His343=]LAPQADPRPS

ClinVar aggregate classification (germline): Benign. Review status: criteria provided, multiple submitters, no conflicts (2 of 4 stars). 3 submissions from 3 submitters: Benign (3). Last evaluated 2024-03-01.

Allele frequency attached by ClinVar (database versions not stated): 1000 Genomes Project 30x 0.00468; 1000 Genomes Project 0.00519; gnomAD 0.00962 and 0.00971; TOPMed 0.00996; ExAC 0.00999; gnomAD exomes 0.01058 and 0.01244; ESP Exome Variant Server 0.01169.
gnomAD v4.1: 19,632 of 1,610,308 alleles (1.2%); highest among the groups gnomAD compares: Middle Eastern, 1.9%; 184 homozygotes.

Submissions (3):

CeGaT Center for Human Genetics Tuebingen
Classification: Benign. Last evaluated: 2024-03-01. Review status: criteria provided, single submitter. Criteria: CeGaT Center For Human Genetics Tuebingen Variant Classification Criteria Version 2. Collection method: clinical testing. Allele origin: germline. Affected: yes. Observed: 2 variant alleles.
Comment: CAMTA2: BP4, BP7, BS1, BS2

Labcorp Genetics (formerly Invitae), Labcorp
Classification: Benign. Last evaluated: 2018-05-30. Review status: criteria provided, single submitter. Criteria: Invitae Variant Classification Sherloc (09022015). Collection method: clinical testing. Allele origin: germline.

Breakthrough Genomics
Classification: Benign. Review status: criteria provided, single submitter. Criteria: ACMG Guidelines, 2015. Collection method: not provided. Allele origin: germline. Inheritance: Unknown mechanism. Affected: yes.